The following is an entry in ClinVar:

ClinVar aggregate classification (germline): Uncertain significance. Review status: criteria provided, multiple submitters, no conflicts (2 of 4 stars). 2 submissions from 2 submitters: Uncertain significance (2). Last evaluated 2024-05-06.

Allele frequency attached by ClinVar (database versions not stated): gnomAD exomes below 0.00001 and 0.00001; TOPMed below 0.00001; gnomAD 0.00001; ExAC 0.00002.
gnomAD v4.1: 7 of 1,613,444 alleles (0.00043%); highest among the groups gnomAD compares: Non-Finnish European, 0.00051%; no homozygotes.

Submissions (2):

Labcorp Genetics (formerly Invitae), Labcorp
Classification: Uncertain significance. Last evaluated: 2024-05-06. Review status: criteria provided, single submitter. Criteria: Invitae Variant Classification Sherloc (09022015). Collection method: clinical testing. Allele origin: germline.
Comment: This sequence change replaces arginine, which is basic and polar, with cysteine, which is neutral and slightly polar, at codon 6 of the MYO18B protein (p.Arg6Cys). This variant is present in population databases (rs770116314, gnomAD 0.0009%). This variant has not been reported in the literature in individuals affected with MYO18B-related conditions. ClinVar contains an entry for this variant (Variation ID: 1314598). An algorithm developed to predict the effect of missense changes on protein structure and function (PolyPhen-2) suggests that this variant is likely to be disruptive. In summary, the available evidence is currently insufficient to determine the role of this variant in disease. Therefore, it has been classified as a Variant of Uncertain Significance.

GeneDx
Classification: Uncertain significance. Last evaluated: 2021-04-09. Review status: criteria provided, single submitter. Criteria: GeneDx Variant Classification Process June 2021. Collection method: clinical testing. Allele origin: germline. Affected: yes.
Comment: Has not been previously published as pathogenic or benign to our knowledge; Not observed at a significant frequency in large population cohorts (Lek et al., 2016); In silico analysis supports that this missense variant has a deleterious effect on protein structure/function; In silico analysis, which includes splice predictors and evolutionary conservation, is inconclusive as to whether the variant alters gene splicing. In the absence of RNA/functional studies, the actual effect of this sequence change is unknown.

NM_032608.7(MYO18B):c.16C>T (p.Arg6Cys)

Gene: MYO18B (myosin XVIIIB; plus strand). Cytogenetic location: 22q12.1.
Variant type: single nucleotide variant.
Coding change: c.16C>T on transcript NM_032608.7 (MANE Select); coding-DNA position 16, C replaced by T.
Protein change: p.Arg6Cys; replaces arginine 6 with cysteine.
Molecular consequence: missense variant.
Genome position (GRCh38, 1-based): chr22:25,761,108, C>T. VCF-style: chr22-25761108-C-T. GRCh37 (hg19) VCF-style: chr22-26157075-C-T.
Other names: c.16C>T, p.Arg6Cys (NM_001318245.2); short protein forms R6C.
Identifiers: ClinVar variation 1314598 (VCV001314598.3), dbSNP rs770116314, ClinGen allele CA10159429.